The following is an entry in ClinVar:

NM_020778.5(ALPK3):c.4013C>G (p.Pro1338Arg)

Gene: ALPK3 (alpha kinase 3; plus strand). Cytogenetic location: 15q25.3.
Variant type: single nucleotide variant.
Coding change: c.4013C>G on transcript NM_020778.5 (MANE Select); coding-DNA position 4013, C replaced by G.
Protein change: p.Pro1338Arg; replaces proline 1338 with arginine.
Molecular consequence: missense variant.
Genome position (GRCh38, 1-based): chr15:84,859,823, C>G. VCF-style: chr15-84859823-C-G. GRCh37 (hg19) VCF-style: chr15-85403054-C-G.
Other names: short protein forms P1338R.
Identifiers: ClinVar variation 1741932 (VCV001741932.2), dbSNP rs1340578662, ClinGen allele CA393361889.

ClinVar aggregate classification (germline): Uncertain significance (1 of 4 stars; one submission).

Conditions:
Cardiovascular phenotype. Identifiers: MedGen CN230736.

Allele frequency attached by ClinVar (database versions not stated): TOPMed below 0.00001; gnomAD exomes 0.00001.
gnomAD v4.1: 12 of 1,613,964 alleles (0.00074%); highest among the groups gnomAD compares: Non-Finnish European, 0.001%; no homozygotes.

Submission:

Ambry Genetics
Classification: Uncertain significance for Cardiovascular phenotype. Last evaluated: 2020-01-10. Review status: criteria provided, single submitter. Criteria: Ambry Variant Classification Scheme 2023. Collection method: clinical testing. Allele origin: germline.
Comment: The p.P1540R variant (also known as c.4619C>G), located in coding exon 8 of the ALPK3 gene, results from a C to G substitution at nucleotide position 4619. The proline at codon 1540 is replaced by arginine, an amino acid with dissimilar properties. This amino acid position is not well conserved in available vertebrate species. In addition, this alteration is predicted to be tolerated by in silico analysis. Since supporting evidence is limited at this time, the clinical significance of this alteration remains unclear.